The following is an entry in ClinVar:

ClinVar aggregate classification (germline): Uncertain significance (1 of 4 stars; one submission).

Conditions:
Charcot-Marie-Tooth disease axonal type 2C (HMSN2C). Also called: CHARCOT-MARIE-TOOTH DISEASE, AXONAL, AUTOSOMAL DOMINANT, TYPE 2C; Charcot-Marie-Tooth Neuropathy Type 2C; Charcot-Marie-Tooth Disease Type 2, TRPV4-Related (CMT2C). Identifiers: Orphanet 99937, MedGen C1853710, MONDO:0011633, OMIM 606071.

Submission:

Labcorp Genetics (formerly Invitae), Labcorp
Classification: Uncertain significance for Charcot-Marie-Tooth disease axonal type 2C. Last evaluated: 2022-07-25. Review status: criteria provided, single submitter. Criteria: Invitae Variant Classification Sherloc (09022015). Collection method: clinical testing. Allele origin: germline.
Comment: This sequence change replaces alanine, which is neutral and non-polar, with threonine, which is neutral and polar, at codon 198 of the TRPV4 protein (p.Ala198Thr). This variant is not present in population databases (gnomAD no frequency). This variant has not been reported in the literature in individuals affected with TRPV4-related conditions. ClinVar contains an entry for this variant (Variation ID: 1409377). Advanced modeling of protein sequence and biophysical properties (such as structural, functional, and spatial information, amino acid conservation, physicochemical variation, residue mobility, and thermodynamic stability) performed at Invitae indicates that this missense variant is expected to disrupt TRPV4 protein function. In summary, the available evidence is currently insufficient to determine the role of this variant in disease. Therefore, it has been classified as a Variant of Uncertain Significance.

NM_021625.5(TRPV4):c.592G>A (p.Ala198Thr)

Gene: TRPV4 (transient receptor potential cation channel subfamily V member 4; minus strand). Cytogenetic location: 12q24.11.
Variant type: single nucleotide variant.
Coding change: c.592G>A on transcript NM_021625.5 (MANE Select); coding-DNA position 592, G replaced by A.
Protein change: p.Ala198Thr; replaces alanine 198 with threonine.
Molecular consequence: missense variant.
Genome position (GRCh38, 1-based): chr12:109,803,111, C>T on the plus strand (G>A on the coding strand, the complement: TRPV4 is on the minus strand). VCF-style: chr12-109803111-C-T. GRCh37 (hg19) VCF-style: chr12-110240916-C-T.
Other names: c.592G>A, p.Ala198Thr (NM_001177428.2, NM_001177433.2, NM_147204.3); c.490G>A, p.Ala164Thr (NM_001177431.2); short protein forms A164T, A198T.
Identifiers: ClinVar variation 1409377 (VCV001409377.8), dbSNP rs761966856, ClinGen allele CA386656211.